The following is an entry in ClinVar:

ClinVar aggregate classification (germline): Conflicting classifications of pathogenicity. Review status: criteria provided, conflicting classifications (1 of 4 stars). 2 submissions from 2 submitters: Likely pathogenic (1); Uncertain significance (1). Last evaluated 2023-03-03.

Conditions:
Intellectual disability-severe speech delay-mild dysmorphism syndrome (IDDLA). Also called: Mental retardation with language impairment and autistic features; Intellectual developmental disorder with language impairment AND with or without autistic features; FOXP1 Syndrome. Identifiers: Orphanet 391372, MedGen C4013764, MONDO:0013352, OMIM 613670.

Submissions (3):

Labcorp Genetics (formerly Invitae), Labcorp
Classification: Uncertain significance. Last evaluated: 2023-03-03. Review status: criteria provided, single submitter. Criteria: Invitae Variant Classification Sherloc (09022015). Collection method: clinical testing. Allele origin: germline.
Comment: In summary, the available evidence is currently insufficient to determine the role of this variant in disease. Therefore, it has been classified as a Variant of Uncertain Significance. Variants that disrupt the consensus splice site are a relatively common cause of aberrant splicing (PMID: 17576681, 9536098). Algorithms developed to predict the effect of sequence changes on RNA splicing suggest that this variant may disrupt the consensus splice site. This variant has not been reported in the literature in individuals affected with FOXP1-related conditions. This variant is not present in population databases (gnomAD no frequency). This sequence change falls in intron 19 of the FOXP1 gene. It does not directly change the encoded amino acid sequence of the FOXP1 protein. It affects a nucleotide within the consensus splice site.

Molecular Genetics Lab, CHRU Brest
Classification: Likely pathogenic for Intellectual disability-severe speech delay-mild dysmorphism syndrome. Review status: criteria provided, single submitter. Criteria: ACMG Guidelines, 2015. Collection method: clinical testing. Allele origin: de novo. Affected: yes.

Dr. Peter K. Rogan Lab, Western University
No classification provided (evidence only). Condition: Familial cancer of breast. Review status: no classification provided. Collection method: in vitro. Allele origin: not applicable. Functional consequence: retained intron. Not counted in ClinVar's aggregate classification.

Literature cited by the submitters: PubMed 17576681 (cited by Labcorp Genetics (formerly Invitae), Labcorp); PubMed 9536098 (cited by Labcorp Genetics (formerly Invitae), Labcorp).

NM_001349338.3(FOXP1):c.1722+5G>C

Gene: FOXP1 (forkhead box P1; minus strand). Cytogenetic location: 3p13.
Variant type: single nucleotide variant.
Coding change: c.1722+5G>C on transcript NM_001349338.3 (MANE Select); 5 bases into the intron after coding-DNA position 1722, G replaced by C.
Molecular consequence: intron variant.
Genome position (GRCh38, 1-based): chr3:70,970,731, C>G on the plus strand (G>C on the coding strand, the complement: FOXP1 is on the minus strand). VCF-style: chr3-70970731-C-G. GRCh37 (hg19) VCF-style: chr3-71019882-C-G.
Other names: c.1770+5G>C (NM_001244810.2); c.1722+5G>C (NM_032682.6, NM_001349340.3, NM_001244816.2 and 1 more transcripts); c.1719+5G>C (NM_001349341.3, NM_001244808.3); c.1494+5G>C (NM_001244812.3); c.1419+5G>C (NM_001349343.3, NM_001349337.2, NM_001370548.1 and 1 more transcripts); c.1422+5G>C (NM_001349342.3, NM_001244815.2, NM_001244813.3).
Identifiers: ClinVar variation 2842204 (VCV002842204.5), dbSNP rs2545010995, ClinGen allele CA2739279838.